The following is an entry in ClinVar:

NM_001351132.2(PEX5):c.878C>G (p.Ala293Gly)

Gene: PEX5 (peroxisomal biogenesis factor 5; plus strand). Cytogenetic location: 12p13.31.
Variant type: single nucleotide variant.
Coding change: c.878C>G on transcript NM_001351132.2 (MANE Select); coding-DNA position 878, C replaced by G.
Protein change: p.Ala293Gly; replaces alanine 293 with glycine.
Molecular consequence: missense variant.
Genome position (GRCh38, 1-based): chr12:7,203,463, C>G. VCF-style: chr12-7203463-C-G. GRCh37 (hg19) VCF-style: chr12-7356059-C-G.
Other names: c.854C>G, p.Ala285Gly (NM_000319.5); c.923C>G, p.Ala308Gly (NM_001131023.2); c.767C>G, p.Ala256Gly (NM_001131024.2, NM_001351124.3, NM_001351126.2 and 7 more transcripts); c.878C>G, p.Ala293Gly (NM_001131025.2, NM_001131026.2, NM_001300789.3 and 5 more transcripts); c.812C>G, p.Ala271Gly (NM_001351135.3, NM_001351138.2); c.743C>G, p.Ala248Gly (NM_001351139.2, NM_001351140.2, NM_001374649.2); short protein forms A248G, A271G, A308G, A256G, A293G, A285G.
Identifiers: ClinVar variation 1507753 (VCV001507753.6), dbSNP rs1216991743, ClinGen allele CA383726531.

ClinVar aggregate classification (germline): Uncertain significance (1 of 4 stars; one submission).

Conditions:
Peroxisome biogenesis disorder 2B (PBD2B). Identifiers: Orphanet 44, MedGen C3550234, MONDO:0008736, OMIM 202370.

Allele frequency attached by ClinVar (database versions not stated): gnomAD exomes below 0.00001 and 0.00001.
gnomAD v4.1: 7 of 1,613,830 alleles (0.00043%); highest among the groups gnomAD compares: Non-Finnish European, 0.00059%; no homozygotes.

Submission:

Labcorp Genetics (formerly Invitae), Labcorp
Classification: Uncertain significance for Peroxisome biogenesis disorder 2B. Last evaluated: 2022-04-26. Review status: criteria provided, single submitter. Criteria: Invitae Variant Classification Sherloc (09022015). Collection method: clinical testing. Allele origin: germline.
Comment: This sequence change replaces alanine, which is neutral and non-polar, with glycine, which is neutral and non-polar, at codon 293 of the PEX5 protein (p.Ala293Gly). This variant is present in population databases (no rsID available, gnomAD 0.0009%). This variant has not been reported in the literature in individuals affected with PEX5-related conditions. Algorithms developed to predict the effect of missense changes on protein structure and function (SIFT, PolyPhen-2, Align-GVGD) all suggest that this variant is likely to be tolerated. In summary, the available evidence is currently insufficient to determine the role of this variant in disease. Therefore, it has been classified as a Variant of Uncertain Significance.